The following is an entry in ClinVar:

ClinVar aggregate classification (germline): Pathogenic (0 of 4 stars; one submission).

Conditions:
Succinyl-CoA acetoacetate transferase deficiency (SCOTD). Also called: 3-Oxoacid CoA Transferase Deficiency; KETOACIDOSIS DUE TO SCOT DEFICIENCY; SCOT DEFICIENCY; SUCCINYL-CoA:3-KETOACID CoA-TRANSFERASE DEFICIENCY; Succinyl CoA:3-oxoacid CoA transferase deficiency. Identifiers: Orphanet 832, MedGen C0342792, MONDO:0009492, OMIM 245050.

Allele frequency attached by ClinVar (database versions not stated): ExAC 0.00001.
gnomAD v4.1: 3 of 1,609,110 alleles (0.00019%); highest among the groups gnomAD compares: East Asian, 0.0022%; no homozygotes.

Submission:

Istanbul Faculty of Medicine, Istanbul University
Classification: Pathogenic for Succinyl-CoA acetoacetate transferase deficiency. Last evaluated: 2020-12-25. Review status: no assertion criteria provided. Collection method: clinical testing. Allele origin: germline. Affected: yes. Observed: 1 variant allele.

Literature cited by the submitters: PubMed 37377599.

NM_000436.4(OXCT1):c.1370C>T (p.Thr457Ile)

Gene: OXCT1 (3-oxoacid CoA-transferase 1; minus strand). Cytogenetic location: 5p13.1.
Variant type: single nucleotide variant.
Coding change: c.1370C>T on transcript NM_000436.4 (MANE Select); coding-DNA position 1370, C replaced by T.
Protein change: p.Thr457Ile; replaces threonine 457 with isoleucine.
Molecular consequence: missense variant. On other transcripts: non-coding transcript variant (1).
Genome position (GRCh38, 1-based): chr5:41,749,576, G>A on the plus strand (C>T on the coding strand, the complement: OXCT1 is on the minus strand). VCF-style: chr5-41749576-G-A. GRCh37 (hg19) VCF-style: chr5-41749678-G-A.
Other names: c.1391C>T, p.Thr464Ile (NM_001364300.2, NM_001364299.2); c.1364C>T, p.Thr455Ile (NM_001364301.2); c.1280C>T, p.Thr427Ile (NM_001364302.2); c.812C>T, p.Thr271Ile (NM_001364303.2); short protein forms T271I, T427I, T455I, T457I, T464I.
Identifiers: ClinVar variation 1064695 (VCV001064695.4), dbSNP rs369643387, ClinGen allele CA3253291.